The following is an entry in ClinVar:

NM_001378454.1(ALMS1):c.1791G>A (p.Glu597=)

Gene: ALMS1 (ALMS1 centrosome and basal body associated protein; plus strand). Cytogenetic location: 2p13.1.
Variant type: single nucleotide variant.
Coding change: c.1791G>A on transcript NM_001378454.1 (MANE Select); coding-DNA position 1791, G replaced by A.
Protein change: p.Glu597=; no amino-acid change (glutamic acid 597 retained).
Molecular consequence: synonymous variant.
Genome position (GRCh38, 1-based): chr2:73,448,318, G>A. VCF-style: chr2-73448318-G-A. GRCh37 (hg19) VCF-style: chr2-73675445-G-A.
Other names: c.1794G>A, p.Glu598= (NM_015120.4).
Identifiers: ClinVar variation 3664017 (VCV003664017.3).

ClinVar aggregate classification (germline): Likely benign. Review status: criteria provided, multiple submitters, no conflicts (2 of 4 stars). 2 submissions from 2 submitters: Likely benign (2). Last evaluated 2025-07-22.

Conditions:
Alstrom syndrome (ALMS). Identifiers: Orphanet 64, MedGen C0268425, MONDO:0008763, OMIM 203800.
ALMS1-related disorder. Also called: ALMS1-related condition.

Submissions (2):

PreventionGenetics, part of Exact Sciences
Classification: Likely benign for ALMS1-related condition. Last evaluated: 2025-07-22. Review status: criteria provided, single submitter. Criteria: ACMG Guidelines, 2015. Collection method: clinical testing. Allele origin: germline.
Comment: This variant is classified as likely benign based on ACMG/AMP sequence variant interpretation guidelines (Richards et al. 2015 PMID: 25741868, with internal and published modifications).

Labcorp Genetics (formerly Invitae), Labcorp
Classification: Likely benign for Alstrom syndrome. Last evaluated: 2024-08-30. Review status: criteria provided, single submitter. Criteria: Invitae Variant Classification Sherloc (09022015). Collection method: clinical testing. Allele origin: germline.